The following is an entry in ClinVar:

NM_183381.3(RNF13):c.517G>A (p.Val173Ile)

Gene: RNF13 (ring finger protein 13; plus strand). Cytogenetic location: 3q25.1.
Variant type: single nucleotide variant.
Coding change: c.517G>A on transcript NM_183381.3 (MANE Select); coding-DNA position 517, G replaced by A.
Protein change: p.Val173Ile; replaces valine 173 with isoleucine.
Molecular consequence: missense variant. On other transcripts: non-coding transcript variant (1).
Genome position (GRCh38, 1-based): chr3:149,911,994, G>A. VCF-style: chr3-149911994-G-A. GRCh37 (hg19) VCF-style: chr3-149629781-G-A.
Other names: c.517G>A, p.Val173Ile (NM_001378285.1, NM_001378286.1, NM_007282.4); c.160G>A, p.Val54Ile (NM_001378287.1, NM_001378288.1, NM_001378289.1 and 2 more transcripts); c.124G>A, p.Val42Ile (NM_001378291.1); c.517G>A (NM_183381.2); short protein forms V54I, V173I, V42I.
Identifiers: ClinVar variation 775913 (VCV000775913.12), dbSNP rs150196894, ClinGen allele CA2663021.
Genomic context (GRCh38, chr3:149,911,994, plus strand): 5'-AACAACTCTTCATTTCTCAATTATTGATTTTTGTTTTCTTCTAGGGGCCACCTTATCTTA[G>A]TTCCAGAATTTAGTCTTCCTTTGGAATACTACCTAATTCCCTTCCTTATCATAGTGGGCA-3'
Protein context (NP_899237.1, residues 163-183): TYEKGGHLIL[Val173Ile]PEFSLPLEYY

ClinVar aggregate classification (germline): Benign. Review status: criteria provided, multiple submitters, no conflicts (2 of 4 stars). 3 submissions from 3 submitters: Benign (2). 1 of the submissions does not count toward it. Last evaluated 2026-02-03.

Conditions:
RNF13-related disorder. Also called: RNF13-related condition.

Allele frequency attached by ClinVar (database versions not stated): gnomAD exomes 0.00155 and 0.00419; ExAC 0.00507; gnomAD 0.01592 and 0.01696; ESP Exome Variant Server 0.01761; TOPMed 0.01766; 1000 Genomes Project 30x 0.01889; 1000 Genomes Project 0.01937.
gnomAD v4.1: 4,763 of 1,578,212 alleles (0.3%); highest among the groups gnomAD compares: African/African-American, 5.4%; 112 homozygotes.

Submissions (3):

Labcorp Genetics (formerly Invitae), Labcorp
Classification: Benign. Last evaluated: 2026-02-03. Review status: criteria provided, single submitter. Criteria: Invitae Variant Classification Sherloc (09022015). Collection method: clinical testing. Allele origin: germline.

Breakthrough Genomics
Classification: Benign. Review status: criteria provided, single submitter. Criteria: ACMG Guidelines, 2015. Collection method: not provided. Allele origin: germline. Inheritance: Autosomal dominant inheritance. Affected: yes.

PreventionGenetics, part of Exact Sciences
Classification: Benign for RNF13-related condition. Last evaluated: 2019-07-12. Review status: no assertion criteria provided. Collection method: clinical testing. Allele origin: germline. Not counted in ClinVar's aggregate classification.
Comment: This variant is classified as benign based on ACMG/AMP sequence variant interpretation guidelines (Richards et al. 2015 PMID: 25741868, with internal and published modifications).